The following is an entry in ClinVar:

NM_001308093.3(GATA4):c.*1248G>A

Gene: GATA4 (GATA binding protein 4). Cytogenetic location: 8p23.1.
Variant type: single nucleotide variant.
Coding change: c.*1248G>A on transcript NM_001308093.3 (MANE Select); 1248 bases downstream of the stop codon, G replaced by A.
Molecular consequence: 3 prime UTR variant.
Genome position (GRCh38, 1-based): chr8:11,759,723, G>A. VCF-style: chr8-11759723-G-A. GRCh37 (hg19) VCF-style: chr8-11617232-G-A.
Other names: c.*1248G>A (NM_001308094.2, NM_001374273.1, NM_001374274.1 and 1 more transcripts).
Identifiers: ClinVar variation 3354613 (VCV003354613.1).

ClinVar aggregate classification (germline): Likely benign (0 of 4 stars; one submission).

Conditions:
GATA4-related disorder. Also called: GATA4-related condition. Identifiers: MedGen CN860321.

Submission:

PreventionGenetics, part of Exact Sciences
Classification: Likely benign for GATA4-related condition. Last evaluated: 2024-09-16. Review status: no assertion criteria provided. Collection method: clinical testing. Allele origin: germline.
Comment: This variant is classified as likely benign based on ACMG/AMP sequence variant interpretation guidelines (Richards et al. 2015 PMID: 25741868, with internal and published modifications).